The following is an entry in ClinVar:

NM_025114.4(CEP290):c.2586_2586+4del

Gene: CEP290 (centrosomal protein 290; minus strand). Cytogenetic location: 12q21.32.
Variant type: Deletion.
Coding change: c.2586_2586+4del on transcript NM_025114.4 (MANE Select); coding-DNA position 2586 through 4 bases into the intron after coding-DNA position 2586, 5 bases deleted (TGTAA; older notation c.2586_2586+4delTGTAA).
Molecular consequence: splice donor variant.
Genome position (GRCh38, 1-based): chr12:88,106,992-88,106,996, TTACA deleted on the plus strand (TGTAA on the coding strand, the reverse complement: CEP290 is on the minus strand); deleting any 5 consecutive bases within chr12:88,106,992-88,106,999 gives the same sequence; the c. name uses the placement nearest the transcript's 3' end. VCF-style (leftmost placement, unchanged base first): chr12-88106991-CTTACA-C. GRCh37 (hg19) VCF-style: chr12-88500768-CTTACA-C.
Identifiers: ClinVar variation 2936687 (VCV002936687.3), dbSNP rs2500627262, ClinGen allele CA2575243313.

ClinVar aggregate classification (germline): Likely pathogenic (1 of 4 stars; one submission).

Conditions:
Joubert syndrome. Also called: CEREBELLOPARENCHYMAL DISORDER IV; JOUBERT-BOLTSHAUSER SYNDROME; Familial aplasia of the vermis. Identifiers: Orphanet 475, MedGen C5979921, MONDO:0018772.
Nephronophthisis. Also called: Juvenile Nephronophthisis. Identifiers: Orphanet 655, MedGen C0687120, MONDO:0019005, HP:0000090.
Meckel-Gruber syndrome. Also called: DYSENCEPHALIA SPLANCHNOCYSTICA; GRUBER SYNDROME; Dysencephalia splachnocystica. Identifiers: Orphanet 564, MedGen C0265215, MONDO:0018921.

Submission:

Labcorp Genetics (formerly Invitae), Labcorp
Classification: Likely pathogenic for Joubert syndrome; Meckel-Gruber syndrome; Nephronophthisis. Last evaluated: 2023-11-17. Review status: criteria provided, single submitter. Criteria: Invitae Variant Classification Sherloc (09022015). Collection method: clinical testing. Allele origin: germline.
Comment: This variant results in the deletion of part of exon 24 (c.2586_2586+4del) of the CEP290 gene. It is expected to disrupt RNA splicing. Variants that disrupt the donor or acceptor splice site typically lead to a loss of protein function (PMID: 16199547), and loss-of-function variants in CEP290 are known to be pathogenic (PMID: 16909394, 17345604, 20690115). This variant is not present in population databases (gnomAD no frequency). This variant has not been reported in the literature in individuals affected with CEP290-related conditions. Algorithms developed to predict the effect of sequence changes on RNA splicing suggest that this variant may disrupt the consensus splice site. In summary, the currently available evidence indicates that the variant is pathogenic, but additional data are needed to prove that conclusively. Therefore, this variant has been classified as Likely Pathogenic.

Literature cited by the submitters: PubMed 16199547; PubMed 16909394; PubMed 17345604; PubMed 20690115.